The following is an entry in ClinVar:

ClinVar aggregate classification (germline): Uncertain significance (1 of 4 stars; one submission).

Conditions:
Cardiovascular phenotype. Identifiers: MedGen CN230736.

Submission:

Ambry Genetics
Classification: Uncertain significance for Cardiovascular phenotype. Last evaluated: 2024-01-22. Review status: criteria provided, single submitter. Criteria: Ambry Variant Classification Scheme 2023. Collection method: clinical testing. Allele origin: germline.
Comment: The p.Q613P variant (also known as c.1838A>C), located in coding exon 12 of the FLNC gene, results from an A to C substitution at nucleotide position 1838. The glutamine at codon 613 is replaced by proline, an amino acid with similar properties. This amino acid position is conserved. In addition, this alteration is predicted to be deleterious by in silico analysis. Based on the available evidence, the clinical significance of this alteration remains unclear.

NM_001458.5(FLNC):c.1838A>C (p.Gln613Pro)

Gene: FLNC (filamin C; plus strand). Cytogenetic location: 7q32.1.
Variant type: single nucleotide variant.
Coding change: c.1838A>C on transcript NM_001458.5 (MANE Select); coding-DNA position 1838, A replaced by C.
Protein change: p.Gln613Pro; replaces glutamine 613 with proline.
Molecular consequence: missense variant.
Genome position (GRCh38, 1-based): chr7:128,841,194, A>C. VCF-style: chr7-128841194-A-C. GRCh37 (hg19) VCF-style: chr7-128481248-A-C.
Other names: c.1838A>C, p.Gln613Pro (NM_001127487.2); short protein forms Q613P.
Identifiers: ClinVar variation 3221706 (VCV003221706.1), dbSNP rs1808318196, ClinGen allele CA369227179.